The following is an entry in ClinVar:

ClinVar aggregate classification (germline): Uncertain significance (1 of 4 stars; one submission).

Conditions:
INPP5E-related disorder. Also called: INPP5E-related condition.

Submission:

PreventionGenetics, part of Exact Sciences
Classification: Uncertain significance for INPP5E-related condition. Last evaluated: 2024-11-10. Review status: criteria provided, single submitter. Criteria: ACMG Guidelines, 2015. Collection method: clinical testing. Allele origin: germline.
Comment: The INPP5E c.1149G>C variant is predicted to result in the amino acid substitution p.Trp383Cys. To our knowledge, this variant has not been reported in the literature or in a large population database (gnomAD), indicating this variant is rare. At this time, the clinical significance of this variant is uncertain due to the absence of conclusive functional and genetic evidence.

NM_019892.6(INPP5E):c.1149G>C (p.Trp383Cys)

Gene: INPP5E (inositol polyphosphate-5-phosphatase E; minus strand). Cytogenetic location: 9q34.3.
Variant type: single nucleotide variant.
Coding change: c.1149G>C on transcript NM_019892.6 (MANE Select); coding-DNA position 1149, G replaced by C.
Protein change: p.Trp383Cys; replaces tryptophan 383 with cysteine.
Molecular consequence: missense variant.
Genome position (GRCh38, 1-based): chr9:136,433,165, C>G on the plus strand (G>C on the coding strand, the complement: INPP5E is on the minus strand). VCF-style: chr9-136433165-C-G. GRCh37 (hg19) VCF-style: chr9-139327617-C-G.
Other names: c.1149G>C, p.Trp383Cys (NM_001318502.2); short protein forms W383C.
Identifiers: ClinVar variation 4998800 (VCV004998800.1).